The following is an entry in ClinVar:

NM_000465.4(BARD1):c.1677+6T>C

Gene: BARD1 (BRCA1 associated RING domain 1; minus strand). Cytogenetic location: 2q35.
Variant type: single nucleotide variant.
Coding change: c.1677+6T>C on transcript NM_000465.4 (MANE Select); 6 bases into the intron after coding-DNA position 1677, T replaced by C.
Molecular consequence: intron variant.
Genome position (GRCh38, 1-based): chr2:214,752,441, A>G on the plus strand (T>C on the coding strand, the complement: BARD1 is on the minus strand). VCF-style: chr2-214752441-A-G. GRCh37 (hg19) VCF-style: chr2-215617165-A-G.
Other names: c.267+6T>C (NM_001282548.2); c.1620+6T>C (NM_001282543.2); c.324+6T>C (NM_001282545.2); c.365-21933T>C (NM_001282549.2); c.1677+6T>C (LRG_297t1).
Identifiers: ClinVar variation 460718 (VCV000460718.10), dbSNP rs1400074259, ClinGen allele CA658657225.

ClinVar aggregate classification (germline): Uncertain significance. Review status: criteria provided, multiple submitters, no conflicts (2 of 4 stars). 2 submissions from 2 submitters: Uncertain significance (2). Last evaluated 2024-04-29.

Conditions:
Familial cancer of breast. Also called: BREAST CANCER, FAMILIAL; hereditary breast carcinoma; Hereditary breast cancer. Identifiers: Orphanet 227535, MedGen C0346153, MONDO:0016419, OMIM 114480. Disease mechanism: loss of function.

Submissions (2):

Labcorp Genetics (formerly Invitae), Labcorp
Classification: Uncertain significance for Familial cancer of breast. Last evaluated: 2024-04-29. Review status: criteria provided, single submitter. Criteria: Invitae Variant Classification Sherloc (09022015). Collection method: clinical testing. Allele origin: germline.
Comment: This sequence change falls in intron 7 of the BARD1 gene. It does not directly change the encoded amino acid sequence of the BARD1 protein. It affects a nucleotide within the consensus splice site. This variant is not present in population databases (gnomAD no frequency). This variant has not been reported in the literature in individuals affected with BARD1-related conditions. ClinVar contains an entry for this variant (Variation ID: 460718). Variants that disrupt the consensus splice site are a relatively common cause of aberrant splicing (PMID: 17576681, 9536098). Algorithms developed to predict the effect of sequence changes on RNA splicing suggest that this variant may disrupt the consensus splice site. In summary, the available evidence is currently insufficient to determine the role of this variant in disease. Therefore, it has been classified as a Variant of Uncertain Significance.

Baylor Genetics
Classification: Uncertain significance for Familial cancer of breast. Last evaluated: 2023-06-16. Review status: criteria provided, single submitter. Criteria: ACMG Guidelines, 2015. Collection method: clinical testing. Allele origin: unknown.

Literature cited by the submitters: PubMed 17576681 (cited by Labcorp Genetics (formerly Invitae), Labcorp); PubMed 9536098 (cited by Labcorp Genetics (formerly Invitae), Labcorp).